The following is an entry in ClinVar:

NM_014241.4(HACD1):c.410C>T (p.Ser137Phe)

Gene: HACD1 (3-hydroxyacyl-CoA dehydratase 1; minus strand). Cytogenetic location: 10p12.33.
Variant type: single nucleotide variant.
Coding change: c.410C>T on transcript NM_014241.4 (MANE Select); coding-DNA position 410, C replaced by T.
Protein change: p.Ser137Phe; replaces serine 137 with phenylalanine.
Molecular consequence: missense variant.
Genome position (GRCh38, 1-based): chr10:17,603,633, G>A on the plus strand (C>T on the coding strand, the complement: HACD1 is on the minus strand). VCF-style: chr10-17603633-G-A. GRCh37 (hg19) VCF-style: chr10-17645632-G-A.
Other names: short protein forms S137F.
Identifiers: ClinVar variation 1523733 (VCV001523733.5), dbSNP rs1346964047, ClinGen allele CA376196576.

ClinVar aggregate classification (germline): Uncertain significance (1 of 4 stars; one submission).

Allele frequency attached by ClinVar (database versions not stated): gnomAD exomes below 0.00001 and 0.00001; gnomAD 0.00001; TOPMed 0.00001.
gnomAD v4.1: 12 of 1,613,036 alleles (0.00074%); highest among the groups gnomAD compares: Non-Finnish European, 0.001%; no homozygotes.

Submission:

Labcorp Genetics (formerly Invitae), Labcorp
Classification: Uncertain significance. Last evaluated: 2021-09-01. Review status: criteria provided, single submitter. Criteria: Invitae Variant Classification Sherloc (09022015). Collection method: clinical testing. Allele origin: germline.
Comment: This sequence change replaces serine with phenylalanine at codon 137 of the HACD1 protein (p.Ser137Phe). The serine residue is highly conserved and there is a large physicochemical difference between serine and phenylalanine. This variant is not present in population databases (ExAC no frequency). This variant has not been reported in the literature in individuals affected with HACD1-related conditions. Algorithms developed to predict the effect of missense changes on protein structure and function (SIFT, PolyPhen-2, Align-GVGD) all suggest that this variant is likely to be disruptive. In summary, the available evidence is currently insufficient to determine the role of this variant in disease. Therefore, it has been classified as a Variant of Uncertain Significance.